The following is an entry in ClinVar:

ClinVar aggregate classification (germline): Conflicting classifications of pathogenicity. Review status: criteria provided, conflicting classifications (1 of 4 stars). 4 submissions from 4 submitters: Likely pathogenic (3); Uncertain significance (1). Last evaluated 2025-09-18.

Conditions:
DSG2-related disorders.
Arrhythmogenic right ventricular dysplasia 10. Also called: Arrhythmogenic right ventricular dysplasia/cardiomyopathy, type 10; Arrhythmogenic Right Ventricular Dysplasia/Cardiomyopathy10; ARRHYTHMOGENIC RIGHT VENTRICULAR DYSPLASIA, FAMILIAL, 10. Identifiers: MedGen C1857777, MONDO:0012434, OMIM 610193.

Submissions (4):

GeneDx
Classification: Likely pathogenic. Last evaluated: 2025-09-18. Review status: criteria provided, single submitter. Criteria: GeneDx Variant Classification Process June 2021. Collection method: clinical testing. Allele origin: germline. Affected: yes.
Comment: Canonical splice site variant predicted to result in an in-frame loss of the adjacent exon in a gene for which loss of function is a known mechanism of disease; Not observed at significant frequency in large population cohorts (gnomAD); This variant is associated with the following publications: (PMID: 33789662)

CeGaT Center for Human Genetics Tuebingen
Classification: Uncertain significance. Last evaluated: 2024-11-01. Review status: criteria provided, single submitter. Criteria: CeGaT Center For Human Genetics Tuebingen Variant Classification Criteria Version 2. Collection method: clinical testing. Allele origin: germline. Affected: yes. Observed: 2 variant alleles.
Comment: DSG2: PM2, PVS1:Moderate, PS4:Supporting

Labcorp Genetics (formerly Invitae), Labcorp
Classification: Likely pathogenic for Arrhythmogenic right ventricular dysplasia 10. Last evaluated: 2022-08-20. Review status: criteria provided, single submitter. Criteria: Invitae Variant Classification Sherloc (09022015). Collection method: clinical testing. Allele origin: germline.
Comment: In summary, the currently available evidence indicates that the variant is pathogenic, but additional data are needed to prove that conclusively. Therefore, this variant has been classified as Likely Pathogenic. Algorithms developed to predict the effect of sequence changes on RNA splicing suggest that this variant may disrupt the consensus splice site. Disruption of this splice site has been observed in individual(s) with sudden explained death (PMID: 33789662). This variant is not present in population databases (gnomAD no frequency). This sequence change affects a donor splice site in intron 2 of the DSG2 gene. It is expected to disrupt RNA splicing. Variants that disrupt the donor or acceptor splice site typically lead to a loss of protein function (PMID: 16199547), and loss-of-function variants in DSG2 are known to be pathogenic (PMID: 17105751, 31386562).

Blueprint Genetics
Classification: Likely pathogenic for DSG2-related disorders. Last evaluated: 2021-01-29. Review status: criteria provided, single submitter. Criteria: ACMG Guidelines, 2015. Collection method: clinical testing. Allele origin: germline. Affected: yes. Observed: 2 variant alleles.

Literature cited by the submitters: PubMed 33789662 (cited by Labcorp Genetics (formerly Invitae), Labcorp); PubMed 16199547 (cited by Labcorp Genetics (formerly Invitae), Labcorp); PubMed 17105751 (cited by Labcorp Genetics (formerly Invitae), Labcorp); PubMed 31386562 (cited by Labcorp Genetics (formerly Invitae), Labcorp).

NM_001943.5(DSG2):c.81+1G>C

Gene: DSG2 (desmoglein 2; plus strand). Cytogenetic location: 18q12.1.
Variant type: single nucleotide variant.
Coding change: c.81+1G>C on transcript NM_001943.5 (MANE Select); the canonical splice donor site of the intron after coding-DNA position 81, G replaced by C.
Molecular consequence: splice donor variant.
Genome position (GRCh38, 1-based): chr18:31,518,275, G>C. VCF-style: chr18-31518275-G-C. GRCh37 (hg19) VCF-style: chr18-29098238-G-C.
Identifiers: ClinVar variation 2052694 (VCV002052694.28), dbSNP rs1237620145, ClinGen allele CA402129918.